The following is an entry in ClinVar:

ClinVar aggregate classification (germline): Uncertain significance (1 of 4 stars; one submission).

Conditions:
Charcot-Marie-Tooth disease dominant intermediate B (CMTDIB). Also called: Charcot-Marie-Tooth disease dominant intermediate 1; CMT DI1; Charcot-Marie-Tooth disease dominant intermediate I; CHARCOT-MARIE-TOOTH NEUROPATHY, DOMINANT INTERMEDIATE B. Identifiers: Orphanet 100044, Orphanet 228179, MedGen C1847902, MONDO:0011674, OMIM 606482.

Submission:

Labcorp Genetics (formerly Invitae), Labcorp
Classification: Uncertain significance for Charcot-Marie-Tooth disease dominant intermediate B. Last evaluated: 2023-03-08. Review status: criteria provided, single submitter. Criteria: Invitae Variant Classification Sherloc (09022015). Collection method: clinical testing. Allele origin: unknown.
Comment: In summary, the available evidence is currently insufficient to determine the role of this variant in disease. Therefore, it has been classified as a Variant of Uncertain Significance. Experimental studies and prediction algorithms are not available or were not evaluated, and the functional significance of this variant is currently unknown. This variant has not been reported in the literature in individuals affected with DNM2-related conditions. This variant is a gross deletion of the genomic region encompassing exon(s) 1 of the DNM2 gene, which includes the initiator codon. This deletion extends beyond the assayed region for this gene and therefore may encompass additional genes. It is expected to result in an absent or disrupted protein product. However, the current clinical and genetic evidence is not sufficient to establish whether loss-of-function variants in DNM2 cause disease.

NC_000019.9:g.(?_10828919)_(10829099_?)del

Gene: DNM2 (dynamin 2; plus strand). Cytogenetic location: 19p13.2.
Variant type: Deletion.
Identifiers: ClinVar variation 3248442 (VCV003248442.1).